The following is an entry in ClinVar:

ClinVar aggregate classification (germline): Uncertain significance (1 of 4 stars; one submission).

Conditions:
Dilated cardiomyopathy 1DD (CMD1DD). Identifiers: Orphanet 154, MedGen C2750995, MONDO:0013168, OMIM 613172.

Submission:

Labcorp Genetics (formerly Invitae), Labcorp
Classification: Uncertain significance for Dilated cardiomyopathy 1DD. Last evaluated: 2022-09-13. Review status: criteria provided, single submitter. Criteria: Invitae Variant Classification Sherloc (09022015). Collection method: clinical testing. Allele origin: germline.
Comment: In summary, the available evidence is currently insufficient to determine the role of this variant in disease. Therefore, it has been classified as a Variant of Uncertain Significance. Advanced modeling of protein sequence and biophysical properties (such as structural, functional, and spatial information, amino acid conservation, physicochemical variation, residue mobility, and thermodynamic stability) performed at Invitae indicates that this missense variant is not expected to disrupt RBM20 protein function. ClinVar contains an entry for this variant (Variation ID: 957875). This variant has not been reported in the literature in individuals affected with RBM20-related conditions. This variant is not present in population databases (gnomAD no frequency). This sequence change replaces proline, which is neutral and non-polar, with alanine, which is neutral and non-polar, at codon 393 of the RBM20 protein (p.Pro393Ala).

NM_001134363.3(RBM20):c.1177C>G (p.Pro393Ala)

Gene: RBM20 (RNA binding motif protein 20; plus strand). Cytogenetic location: 10q25.2.
Variant type: single nucleotide variant.
Coding change: c.1177C>G on transcript NM_001134363.3 (MANE Select); coding-DNA position 1177, C replaced by G.
Protein change: p.Pro393Ala; replaces proline 393 with alanine.
Molecular consequence: missense variant.
Genome position (GRCh38, 1-based): chr10:110,781,786, C>G. VCF-style: chr10-110781786-C-G. GRCh37 (hg19) VCF-style: chr10-112541544-C-G.
Other names: short protein forms P393A.
Identifiers: ClinVar variation 957875 (VCV000957875.9), dbSNP rs563411472, ClinGen allele CA378385879.